The following is an entry in ClinVar:

ClinVar aggregate classification (germline): Uncertain significance (1 of 4 stars; one submission).

Conditions:
Hereditary cancer-predisposing syndrome. Also called: Hereditary neoplastic syndrome; Tumor predisposition; Hereditary Cancer Syndrome; Neoplastic Syndromes, Hereditary. Identifiers: Orphanet 140162, MedGen C0027672, MeSH D009386, MONDO:0015356.

Submission:

Ambry Genetics
Classification: Uncertain significance for Hereditary cancer-predisposing syndrome. Last evaluated: 2023-09-01. Review status: criteria provided, single submitter. Criteria: Ambry Variant Classification Scheme 2023. Collection method: clinical testing. Allele origin: germline.
Comment: The p.R551L variant (also known as c.1652G>T), located in coding exon 9 of the ALK gene, results from a G to T substitution at nucleotide position 1652. The arginine at codon 551 is replaced by leucine, an amino acid with dissimilar properties. This amino acid position is conserved. In addition, this alteration is predicted to be tolerated by in silico analysis. Since supporting evidence is limited at this time, the clinical significance of this alteration remains unclear.

NM_004304.5(ALK):c.1652G>T (p.Arg551Leu)

Gene: ALK (ALK receptor tyrosine kinase; minus strand). Cytogenetic location: 2p23.2.
Variant type: single nucleotide variant.
Coding change: c.1652G>T on transcript NM_004304.5 (MANE Select); coding-DNA position 1652, G replaced by T.
Protein change: p.Arg551Leu; replaces arginine 551 with leucine.
Molecular consequence: missense variant.
Genome position (GRCh38, 1-based): chr2:29,297,053, C>A on the plus strand (G>T on the coding strand, the complement: ALK is on the minus strand). VCF-style: chr2-29297053-C-A. GRCh37 (hg19) VCF-style: chr2-29519919-C-A.
Other names: short protein forms R551L.
Identifiers: ClinVar variation 2586707 (VCV002586707.2), dbSNP rs374136388, ClinGen allele CA346466702.